The following is an entry in ClinVar:

NM_004568.6(SERPINB6):c.817C>T (p.Arg273Trp)

Gene: SERPINB6 (serpin family B member 6; minus strand). Cytogenetic location: 6p25.2.
Variant type: single nucleotide variant.
Coding change: c.817C>T on transcript NM_004568.6 (MANE Select); coding-DNA position 817, C replaced by T.
Protein change: p.Arg273Trp; replaces arginine 273 with tryptophan.
Molecular consequence: missense variant. On other transcripts: non-coding transcript variant (1).
Genome position (GRCh38, 1-based): chr6:2,948,612, G>A on the plus strand (C>T on the coding strand, the complement: SERPINB6 is on the minus strand). VCF-style: chr6-2948612-G-A. GRCh37 (hg19) VCF-style: chr6-2948846-G-A.
Other names: c.829C>T, p.Arg277Trp (NM_001195291.3, NM_001374515.1); c.859C>T, p.Arg287Trp (NM_001271822.2); c.874C>T, p.Arg292Trp (NM_001271823.2); c.817C>T, p.Arg273Trp (NM_001271824.2, NM_001271825.2, NM_001297699.2 and 2 more transcripts); c.685C>T, p.Arg229Trp (NM_001374517.1); short protein forms R277W, R287W, R229W, R273W, R292W.
Identifiers: ClinVar variation 1391069 (VCV001391069.7), dbSNP rs1451542842, ClinGen allele CA362579835.

ClinVar aggregate classification (germline): Uncertain significance. Review status: criteria provided, multiple submitters, no conflicts (2 of 4 stars). 2 submissions from 2 submitters: Uncertain significance (2). Last evaluated 2024-12-16.

Allele frequency attached by ClinVar (database versions not stated): gnomAD exomes 0.00001; TOPMed 0.00002.
gnomAD v4.1: 13 of 1,614,070 alleles (0.00081%); highest among the groups gnomAD compares: Middle Eastern, 0.016%; no homozygotes.

Submissions (2):

Labcorp Genetics (formerly Invitae), Labcorp
Classification: Uncertain significance. Last evaluated: 2024-12-16. Review status: criteria provided, single submitter. Criteria: Invitae Variant Classification Sherloc (09022015). Collection method: clinical testing. Allele origin: germline.
Comment: This sequence change replaces arginine, which is basic and polar, with tryptophan, which is neutral and slightly polar, at codon 273 of the SERPINB6 protein (p.Arg273Trp). This variant is present in population databases (no rsID available, gnomAD 0.006%). This variant has not been reported in the literature in individuals affected with SERPINB6-related conditions. ClinVar contains an entry for this variant (Variation ID: 1391069). Invitae Evidence Modeling of protein sequence and biophysical properties (such as structural, functional, and spatial information, amino acid conservation, physicochemical variation, residue mobility, and thermodynamic stability) indicates that this missense variant is expected to disrupt SERPINB6 protein function with a positive predictive value of 80%. In summary, the available evidence is currently insufficient to determine the role of this variant in disease. Therefore, it has been classified as a Variant of Uncertain Significance.

Blueprint Genetics
Classification: Uncertain significance. Last evaluated: 2024-07-17. Review status: criteria provided, single submitter. Criteria: ACMG Guidelines, 2015. Collection method: clinical testing. Allele origin: germline.